The following is an entry in ClinVar:

NM_203447.4(DOCK8):c.5961+65C>T

Gene: DOCK8 (dedicator of cytokinesis 8; plus strand). Cytogenetic location: 9p24.3.
Variant type: single nucleotide variant.
Coding change: c.5961+65C>T on transcript NM_203447.4 (MANE Select); 65 bases into the intron after coding-DNA position 5961, C replaced by T.
Molecular consequence: intron variant.
Genome position (GRCh38, 1-based): chr9:449,992, C>T. VCF-style: chr9-449992-C-T. GRCh37 (hg19) VCF-style: chr9-449992-C-T.
Other names: c.5757+65C>T (NM_001193536.2); c.5661+65C>T (NM_001190458.2).
Identifiers: ClinVar variation 675915 (VCV000675915.2), dbSNP rs117959450, ClinGen allele CA187827339.

ClinVar aggregate classification (germline): Likely benign. Review status: criteria provided, multiple submitters, no conflicts (2 of 4 stars). 2 submissions from 2 submitters: Likely benign (2). Last evaluated 2018-06-16.

Allele frequency attached by ClinVar (database versions not stated): 1000 Genomes Project 0.01637; 1000 Genomes Project 30x 0.01671; gnomAD 0.02254 and 0.02324; TOPMed 0.02338; gnomAD exomes 0.02522.
gnomAD v4.1: 39,002 of 1,566,802 alleles (2.5%); highest among the groups gnomAD compares: Admixed American, 2.8%; 549 homozygotes.

Submissions (2):

GeneDx
Classification: Likely benign. Last evaluated: 2018-06-16. Review status: criteria provided, single submitter. Criteria: GeneDx Variant Classification (06012015). Collection method: clinical testing. Allele origin: germline. Affected: yes.
Comment: This variant is considered likely benign or benign based on one or more of the following criteria: it is a conservative change, it occurs at a poorly conserved position in the protein, it is predicted to be benign by multiple in silico algorithms, and/or has population frequency not consistent with disease.

Breakthrough Genomics
Classification: Likely benign. Review status: criteria provided, single submitter. Criteria: ACMG Guidelines, 2015. Collection method: not provided. Allele origin: germline. Inheritance: Autosomal recessive inheritance. Affected: yes.